The following is an entry in ClinVar:

ClinVar aggregate classification (germline): Likely pathogenic. Review status: reviewed by expert panel (3 of 4 stars). 2 submissions from 2 submitters: Likely pathogenic (1). 1 of the submissions does not count toward it. Last evaluated 2025-06-19.

Conditions:
Glanzmann thrombasthenia. Also called: BLEEDING DISORDER, PLATELET-TYPE, 2; THROMBASTHENIA OF GLANZMANN AND NAEGELI; Thrombasthenia; PLATELET GLYCOPROTEIN IIb-IIIa DEFICIENCY; Glanzmann's thrombasthenia. Identifiers: Orphanet 849, MedGen C0040015, MONDO:0100326.
Abnormal bleeding. Also called: Bleeding diathesis. Identifiers: MedGen C1458140, HP:0001892.

Submissions (2):

ClinGen Platelet Disorders Variant Curation Expert Panel, ClinGen
Classification: Likely pathogenic for Glanzmann thrombasthenia. Last evaluated: 2025-06-19. Review status: reviewed by expert panel. Criteria: ClinGen Platelet ACMG Specifications v2-1. Collection method: curation. Allele origin: germline. Inheritance: Autosomal recessive inheritance.
Comment: The NM_000212.3(ITGB3):c.856G>C (p.Gly286Arg) missense variant has been reported in one homozygous case (PM3_supporting); Case 9 (PMID: 34435350) with this variant displayed mucocutaneous bleeding and impaired aggregation with all agonists except ristocetin, which is highly specific for Glanzmann thrombasthenia. Additionally, αIIbβ3 surface expression was reduced to 0-1% (<25%), as measured by flow cytometry. ITGA2B and ITGB3 were sequenced across all exons and intron/exon boundaries (PP4_strong). This variant is absent from gnomAD v4.1 (PM2_Supporting). The computational predictor REVEL gives a score of 0.969 (PP3). In summary, this variant meets the criteria to be classified as likely pathogenic for autosomal recessive Glanzmann Thrombasthenia based on the ACMG/AMP criteria applied, as specified by the ClinGen PD VCEP: PP4_strong, PM3_supporting, PM2_supporting, PP3. (VCEP specifications version 2).

NIHR Bioresource Rare Diseases, University of Cambridge
Classification: Likely pathogenic for Abnormal bleeding. Last evaluated: 2019-02-01. Review status: criteria provided, single submitter. Criteria: ACMG Guidelines, 2015. Collection method: research. Allele origin: unknown. Affected: yes. Observed: 1 homozygote. Study: ThromboGenomics. Not counted in ClinVar's aggregate classification.

Literature cited by the submitters: PubMed 31064749 (cited by NIHR Bioresource Rare Diseases, University of Cambridge).

NM_000212.3(ITGB3):c.856G>C (p.Gly286Arg)

Genes: ITGB3 (integrin subunit beta 3; plus strand), LOC130061045 (ATAC-STARR-seq lymphoblastoid active region 12309; plus strand). Cytogenetic location: 17q21.32.
Variant type: single nucleotide variant.
Coding change: c.856G>C on transcript NM_000212.3 (MANE Select); coding-DNA position 856, G replaced by C.
Protein change: p.Gly286Arg; replaces glycine 286 with arginine.
Molecular consequence: missense variant.
Genome position (GRCh38, 1-based): chr17:47,287,148, G>C. VCF-style: chr17-47287148-G-C. GRCh37 (hg19) VCF-style: chr17-45364514-G-C.
Other names: NM_000212.2(ITGB3):c.856G>C; p.Gly286Arg; short protein forms G286R.
Identifiers: ClinVar variation 627151 (VCV000627151.4), dbSNP rs1199275720, ClinGen allele CA400024919.